The following is an entry in ClinVar:

ClinVar aggregate classification (germline): Uncertain significance (1 of 4 stars; one submission).

Submission:

Labcorp Genetics (formerly Invitae), Labcorp
Classification: Uncertain significance. Last evaluated: 2024-11-19. Review status: criteria provided, single submitter. Criteria: Invitae Variant Classification Sherloc (09022015). Collection method: clinical testing. Allele origin: germline.
Comment: This sequence change replaces valine, which is neutral and non-polar, with methionine, which is neutral and non-polar, at codon 1471 of the FLNB protein (p.Val1471Met). Information on the frequency of this variant in the gnomAD database is not available, as this variant may be reported differently in the database. This variant has not been reported in the literature in individuals affected with FLNB-related conditions. Experimental studies and prediction algorithms are not available or were not evaluated, and the functional significance of this variant is currently unknown. In summary, the available evidence is currently insufficient to determine the role of this variant in disease. Therefore, it has been classified as a Variant of Uncertain Significance.

NM_001457.4(FLNB):c.4410_4411delinsTA (p.Val1471Met)

Gene: FLNB (filamin B; plus strand). Cytogenetic location: 3p14.3.
Variant type: Indel.
Coding change: c.4410_4411delinsTA on transcript NM_001457.4 (MANE Select); coding-DNA positions 4410 to 4411, CG replaced by TA.
Protein change: p.Val1471Met; replaces valine 1471 with methionine.
Molecular consequence: missense variant.
Genome position (GRCh38, 1-based): chr3:58,132,827-58,132,828, CG replaced by TA. VCF-style: chr3-58132827-CG-TA. GRCh37 (hg19) VCF-style: chr3-58118554-CG-TA.
Other names: c.4410_4411delinsTA, p.Val1471Met (NM_001164319.2, NM_001164318.2); c.4503_4504delinsTA, p.Val1502Met (NM_001164317.2); short protein forms V1502M, V1471M.
Identifiers: ClinVar variation 3725674 (VCV003725674.2).